The following is an entry in ClinVar:

ClinVar aggregate classification (germline): Likely benign. Review status: criteria provided, multiple submitters, no conflicts (2 of 4 stars). 3 submissions from 3 submitters: Likely benign (2). 1 of the submissions does not count toward it. Last evaluated 2025-12-09.

Conditions:
MTO1-related disorder. Also called: MTO1-related condition.
Mitochondrial hypertrophic cardiomyopathy with lactic acidosis due to MTO1 deficiency. Also called: Combined oxidative phosphorylation deficiency 10; CARDIOMYOPATHY, INFANTILE HYPERTROPHIC MITOCHONDRIAL, AND LACTIC ACIDOSIS. Identifiers: Orphanet 314637, MedGen C4749921, MONDO:0013865, OMIM 614702.

Allele frequency attached by ClinVar (database versions not stated): TOPMed 0.00001; ExAC 0.00002; ESP Exome Variant Server 0.00008; gnomAD 0.00002; gnomAD exomes 0.00002.
gnomAD v4.1: 16 of 1,613,416 alleles (0.00099%); highest among the groups gnomAD compares: Admixed American, 0.0033%; no homozygotes.

Submissions (3):

Labcorp Genetics (formerly Invitae), Labcorp
Classification: Likely benign for Mitochondrial hypertrophic cardiomyopathy with lactic acidosis due to MTO1 deficiency. Last evaluated: 2025-12-09. Review status: criteria provided, single submitter. Criteria: Invitae Variant Classification Sherloc (09022015). Collection method: clinical testing. Allele origin: germline.

GeneDx
Classification: Likely benign. Last evaluated: 2016-05-24. Review status: criteria provided, single submitter. Criteria: GeneDx Variant Classification (06012015). Collection method: clinical testing. Allele origin: germline. Affected: yes.
Comment: This variant is considered likely benign or benign based on one or more of the following criteria: it is a conservative change, it occurs at a poorly conserved position in the protein, it is predicted to be benign by multiple in silico algorithms, and/or has population frequency not consistent with disease.

PreventionGenetics, part of Exact Sciences
Classification: Likely benign for MTO1-related condition. Last evaluated: 2020-03-23. Review status: no assertion criteria provided. Collection method: clinical testing. Allele origin: germline. Not counted in ClinVar's aggregate classification.
Comment: This variant is classified as likely benign based on ACMG/AMP sequence variant interpretation guidelines (Richards et al. 2015 PMID: 25741868, with internal and published modifications).

NM_012123.4(MTO1):c.210C>T (p.Asp70=)

Gene: MTO1 (mitochondrial tRNA translation optimization 1; plus strand). Cytogenetic location: 6q13.
Variant type: single nucleotide variant.
Coding change: c.210C>T on transcript NM_012123.4 (MANE Select); coding-DNA position 210, C replaced by T.
Protein change: p.Asp70=; no amino-acid change (aspartic acid 70 retained).
Molecular consequence: synonymous variant.
Genome position (GRCh38, 1-based): chr6:73,462,064, C>T. VCF-style: chr6-73462064-C-T. GRCh37 (hg19) VCF-style: chr6-74171787-C-T.
Other names: c.210C>T, p.Asp70= (NM_001123226.2, NM_133645.3).
Identifiers: ClinVar variation 386075 (VCV000386075.10), dbSNP rs138494495, ClinGen allele CA3889245.